The following is an entry in ClinVar:

NM_001374736.1(DST):c.14800C>A (p.Gln4934Lys)

Gene: DST (dystonin; minus strand). Cytogenetic location: 6p12.1.
Variant type: single nucleotide variant.
Coding change: c.14800C>A on transcript NM_001374736.1 (MANE Select); coding-DNA position 14800, C replaced by A.
Protein change: p.Gln4934Lys; replaces glutamine 4934 with lysine.
Molecular consequence: missense variant.
Genome position (GRCh38, 1-based): chr6:56,555,681, G>T on the plus strand (C>A on the coding strand, the complement: DST is on the minus strand). VCF-style: chr6-56555681-G-T. GRCh37 (hg19) VCF-style: chr6-56420479-G-T.
Other names: p.Gln2311Lys; c.8443C>A, p.Gln2815Lys (NM_001144769.5); c.8029C>A, p.Gln2677Lys (NM_001144770.2); c.14800C>A, p.Gln4934Lys (NM_001374722.1); c.14167C>A, p.Gln4723Lys (NM_001374729.1); c.7909C>A, p.Gln2637Lys (NM_001374730.1, NM_183380.4); c.14827C>A, p.Gln4943Lys (NM_001374734.1); c.6931C>A, p.Gln2311Lys (NM_015548.5); short protein forms Q2637K, Q2677K, Q2815K, Q4943K, Q2311K, Q4723K, Q4934K.
Identifiers: ClinVar variation 966842 (VCV000966842.10), dbSNP rs199936602, ClinGen allele CA3867923.

ClinVar aggregate classification (germline): Uncertain significance. Review status: criteria provided, multiple submitters, no conflicts (2 of 4 stars). 3 submissions from 3 submitters: Uncertain significance (3). Last evaluated 2024-10-16.

Conditions:
Inborn genetic diseases. Identifiers: MedGen C0950123, MeSH D030342.
Hereditary sensory and autonomic neuropathy type 6. Also called: Neuropathy, hereditary sensory and autonomic, type VI; HSAN VI. Identifiers: Orphanet 314381, MedGen C3539003, MONDO:0013839, OMIM 614653.
Epidermolysis bullosa simplex 3, localized or generalized intermediate, with BP230 deficiency (EBS3). Also called: Epidermolysis bullosa simplex, autosomal recessive 2; Epidermolysis bullosa simplex due to BP230 deficiency. Identifiers: Orphanet 412181, MedGen C3809470, MONDO:0014180, OMIM 615425.

Allele frequency attached by ClinVar (database versions not stated): gnomAD exomes 0.00003 and 0.00004; ExAC 0.00004; gnomAD 0.00005 and 0.00006; TOPMed 0.00006; ESP Exome Variant Server 0.00008.
gnomAD v4.1: 49 of 1,613,278 alleles (0.003%); highest among the groups gnomAD compares: Non-Finnish European, 0.0041%; no homozygotes.

Submissions (3):

Labcorp Genetics (formerly Invitae), Labcorp
Classification: Uncertain significance for Epidermolysis bullosa simplex 3, localized or generalized intermediate, with BP230 deficiency; Hereditary sensory and autonomic neuropathy type 6. Last evaluated: 2024-10-16. Review status: criteria provided, single submitter. Criteria: Invitae Variant Classification Sherloc (09022015). Collection method: clinical testing. Allele origin: germline.
Comment: The DST gene has multiple clinically relevant transcripts. This variant occurs in alternate transcript NM_015548.4, and corresponds to NM_001723.5:c.*59836C>A in the primary transcript. This sequence change replaces glutamine, which is neutral and polar, with lysine, which is basic and polar, at codon 2311 of the DST protein (p.Gln2311Lys). This variant is present in population databases (rs199936602, gnomAD 0.01%). This variant has not been reported in the literature in individuals affected with DST-related conditions. ClinVar contains an entry for this variant (Variation ID: 966842). Experimental studies and prediction algorithms are not available or were not evaluated, and the functional significance of this variant is currently unknown. In summary, the available evidence is currently insufficient to determine the role of this variant in disease. Therefore, it has been classified as a Variant of Uncertain Significance.

Mayo Clinic Laboratories, Mayo Clinic
Classification: Uncertain significance. Last evaluated: 2022-07-15. Review status: criteria provided, single submitter. Criteria: ACMG Guidelines, 2015. Collection method: clinical testing. Allele origin: germline. Observed: 1 variant allele.
Comment: PM2

Ambry Genetics
Classification: Uncertain significance for Inborn genetic diseases. Last evaluated: 2020-12-04. Review status: criteria provided, single submitter. Criteria: Ambry Variant Classification Scheme 2023. Collection method: clinical testing. Allele origin: germline.
Comment: The p.Q2815K variant (also known as c.8443C>A), located in coding exon 54 of the DST gene, results from a C to A substitution at nucleotide position 8443. The glutamine at codon 2815 is replaced by lysine, an amino acid with similar properties. This amino acid position is highly conserved in available vertebrate species. In addition, the in silico prediction for this alteration is inconclusive. Since supporting evidence is limited at this time, the clinical significance of this alteration remains unclear.